The following is an entry in ClinVar:

NM_001846.4(COL4A2):c.2759-5T>C

Gene: COL4A2 (collagen type IV alpha 2 chain; plus strand). Cytogenetic location: 13q34.
Variant type: single nucleotide variant.
Coding change: c.2759-5T>C on transcript NM_001846.4 (MANE Select); 5 bases into the intron before coding-DNA position 2759, T replaced by C.
Molecular consequence: intron variant.
Genome position (GRCh38, 1-based): chr13:110,482,511, T>C. VCF-style: chr13-110482511-T-C. GRCh37 (hg19) VCF-style: chr13-111134858-T-C.
Other names: p.?.
Identifiers: ClinVar variation 311152 (VCV000311152.20), dbSNP rs3803228, ClinGen allele CA7050001.
Genomic context (GRCh38, chr13:110,482,511, plus strand): 5'-GAGACTGAAATGTCCCATGCATTTTATTCATGTCTAACCCAGCACTTTTCTCTTTTCCTC[T>C]GAAGGAGATAGAGGCTCACCTGGGATGGATGGTTTCCAAGGCATGCCTGGACTCAAAGGG-3'

ClinVar aggregate classification (germline): Benign. Review status: criteria provided, multiple submitters, no conflicts (2 of 4 stars). 8 submissions from 8 submitters: Benign (6). 2 of the submissions do not count toward it. Last evaluated 2026-02-03.

Conditions:
Brain small vessel disease 2A, autosomal dominant. Also called: Porencephaly 2. Identifiers: Orphanet 2940, Orphanet 99810, MedGen C3280970, MONDO:0013773, OMIM 614483.

Allele frequency attached by ClinVar (database versions not stated): gnomAD exomes 0.17249 and 0.17995; ExAC 0.17522; gnomAD 0.18700 and 0.18857; 1000 Genomes Project 30x 0.19066; 1000 Genomes Project 0.19089; TOPMed 0.19118; ESP Exome Variant Server 0.19202.
gnomAD v4.1: 291,191 of 1,612,576 alleles (18%); highest among the groups gnomAD compares: African/African-American, 23%; 27,049 homozygotes.

Submissions (8):

Labcorp Genetics (formerly Invitae), Labcorp
Classification: Benign. Last evaluated: 2026-02-03. Review status: criteria provided, single submitter. Criteria: Invitae Variant Classification Sherloc (09022015). Collection method: clinical testing. Allele origin: germline.

Blueprint Genetics
Classification: Benign. Last evaluated: 2024-11-27. Review status: criteria provided, single submitter. Criteria: ACMG Guidelines, 2015. Collection method: clinical testing. Allele origin: germline.

Mayo Clinic Laboratories, Mayo Clinic
Classification: Benign. Last evaluated: 2022-04-26. Review status: criteria provided, single submitter. Criteria: ACMG Guidelines, 2015. Collection method: clinical testing. Allele origin: germline. Observed: 119 variant alleles.

GeneDx
Classification: Benign. Last evaluated: 2018-05-16. Review status: criteria provided, single submitter. Criteria: GeneDx Variant Classification (06012015). Collection method: clinical testing. Allele origin: germline. Affected: yes.
Comment: This variant is considered likely benign or benign based on one or more of the following criteria: it is a conservative change, it occurs at a poorly conserved position in the protein, it is predicted to be benign by multiple in silico algorithms, and/or has population frequency not consistent with disease.

Illumina Laboratory Services, Illumina
Classification: Benign for Brain small vessel disease 2A, autosomal dominant. Last evaluated: 2018-01-12. Review status: criteria provided, single submitter. Criteria: ICSL Variant Classification Criteria 13 December 2019. Collection method: clinical testing. Allele origin: germline.
Comment: This variant was observed in the ICSL laboratory as part of a predisposition screen in an ostensibly healthy population. It had not been previously curated by ICSL or reported in the Human Gene Mutation Database (HGMD: prior to June 1st, 2018), and was therefore a candidate for classification through an automated scoring system. Utilizing variant allele frequency, disease prevalence and penetrance estimates, and inheritance mode, an automated score was calculated to assess if this variant is too frequent to cause the disease. Based on the score and internal cut-off values, a variant classified as benign is not then subjected to further curation. The score for this variant resulted in a classification of benign for this disease.

Breakthrough Genomics
Classification: Benign. Review status: criteria provided, single submitter. Criteria: ACMG Guidelines, 2015. Collection method: not provided. Allele origin: germline. Inheritance: Autosomal dominant inheritance. Affected: yes.

Clinical Genetics DNA and cytogenetics Diagnostics Lab, Erasmus MC, Erasmus Medical Center
Classification: Benign. Review status: no assertion criteria provided. Collection method: clinical testing. Allele origin: germline. Affected: yes. Study: VKGL Data-share Consensus. Not counted in ClinVar's aggregate classification.

Diagnostic Laboratory, Department of Genetics, University Medical Center Groningen
Classification: Benign. Review status: no assertion criteria provided. Collection method: clinical testing. Allele origin: germline. Affected: yes. Study: VKGL Data-share Consensus. Not counted in ClinVar's aggregate classification.